The following is an entry in ClinVar:

NM_170606.3(KMT2C):c.6535C>G (p.Gln2179Glu)

Gene: KMT2C (lysine methyltransferase 2C; minus strand). Cytogenetic location: 7q36.1.
Variant type: single nucleotide variant.
Coding change: c.6535C>G on transcript NM_170606.3 (MANE Select); coding-DNA position 6535, C replaced by G.
Protein change: p.Gln2179Glu; replaces glutamine 2179 with glutamic acid.
Molecular consequence: missense variant.
Genome position (GRCh38, 1-based): chr7:152,181,325, G>C on the plus strand (C>G on the coding strand, the complement: KMT2C is on the minus strand). VCF-style: chr7-152181325-G-C. GRCh37 (hg19) VCF-style: chr7-151878410-G-C.
Other names: short protein forms Q2179E.
Identifiers: ClinVar variation 2658214 (VCV002658214.24), dbSNP rs780553433, ClinGen allele CA4580052.
Genomic context (GRCh38, chr7:152,181,325, plus strand): 5'-GCCTCTGATTTGTTACAGGTGTAACAAACAAGTCAGTTTGTGTAGATGGTCTTGGGGTTT[G>C]GGGCTGCTGACTATATGGGTCAACAGTAGTAGGCCGGGGAGTTCCAGGAGGTTGAGAGTA-3'
Protein context (NP_733751.2, residues 2169-2189): TTVDPYSQQP[Gln2179Glu]TPRPSTQTDL

ClinVar aggregate classification (germline): Likely benign (1 of 4 stars; one submission).

Allele frequency attached by ClinVar (database versions not stated): gnomAD exomes 0.00001; TOPMed 0.00002; gnomAD 0.00003; ExAC 0.00004.
gnomAD v4.1: 28 of 1,613,782 alleles (0.0017%); highest among the groups gnomAD compares: Non-Finnish European, 0.00059%; no homozygotes.

Submission:

CeGaT Center for Human Genetics Tuebingen
Classification: Likely benign. Last evaluated: 2022-03-01. Review status: criteria provided, single submitter. Criteria: CeGaT Center For Human Genetics Tuebingen Variant Classification Criteria Version 2. Collection method: clinical testing. Allele origin: germline. Affected: yes. Observed: 1 variant allele.
Comment: KMT2C: BP4, BS2